The following continues an entry in ClinVar:

NM_007294.4(BRCA1):c.5095C>T (p.Arg1699Trp)

Gene: BRCA1. ClinVar aggregate classification (germline): Pathogenic. Pathogenic (1).

Literature cited by the submitters, continued: PubMed 32338768 (cited by 3 submitters); PubMed 33468216 (cited by Ambry Genetics); PubMed 26689913 (cited by Mayo Clinic Laboratories, Mayo Clinic and Quest Diagnostics Nichols Institute San Juan Capistrano); PubMed 27478808 (cited by Mayo Clinic Laboratories, Mayo Clinic and Laboratory for Molecular Medicine, Mass General Brigham Personalized Medicine); PubMed 28265380 (cited by 5 submitters); PubMed 28724667 (cited by Mayo Clinic Laboratories, Mayo Clinic and Women's Health and Genetics/Laboratory Corporation of America, LabCorp); PubMed 29297111 (cited by 4 submitters); PubMed 30257991 (cited by Mayo Clinic Laboratories, Mayo Clinic and Institute for Genomic Medicine (IGM) Clinical Laboratory, Nationwide Children's Hospital); PubMed 30765603 (cited by Mayo Clinic Laboratories, Mayo Clinic and Institute for Genomic Medicine (IGM) Clinical Laboratory, Nationwide Children's Hospital); PubMed 31447099 (cited by Mayo Clinic Laboratories, Mayo Clinic); PubMed 32546644 (cited by Mayo Clinic Laboratories, Mayo Clinic); PubMed 37310942 (cited by Mayo Clinic Laboratories, Mayo Clinic); PubMed 24845084 (cited by Quest Diagnostics Nichols Institute San Juan Capistrano); PubMed 26884819 (cited by Quest Diagnostics Nichols Institute San Juan Capistrano); PubMed 27272900 (cited by Quest Diagnostics Nichols Institute San Juan Capistrano); PubMed 30103829 (cited by Quest Diagnostics Nichols Institute San Juan Capistrano); PubMed 29712865 (cited by Quest Diagnostics Nichols Institute San Juan Capistrano and Laboratory for Molecular Medicine, Mass General Brigham Personalized Medicine); PubMed 37085799 (cited by Quest Diagnostics Nichols Institute San Juan Capistrano); PubMed 37060015 (cited by Quest Diagnostics Nichols Institute San Juan Capistrano); PubMed 36367610 (cited by Quest Diagnostics Nichols Institute San Juan Capistrano); PubMed 37731153 (cited by Quest Diagnostics Nichols Institute San Juan Capistrano); PubMed 12496476 (cited by 3 submitters); PubMed 17279547 (cited by All of Us Research Program, National Institutes of Health and Color Diagnostics, LLC DBA Color Health); PubMed 23289006 (cited by 3 submitters); PubMed 30287823 (cited by 3 submitters); PubMed 33471991 (cited by 3 submitters); DOI 10.3389/fgene.2022.834265 (cited by National Health Laboratory Service, Universitas Academic Hospital and University of the Free State); PubMed 21702907 (cited by Women's Health and Genetics/Laboratory Corporation of America, LabCorp); PubMed 11802209 (cited by Women's Health and Genetics/Laboratory Corporation of America, LabCorp); PubMed 19563646 (cited by Women's Health and Genetics/Laboratory Corporation of America, LabCorp); PubMed 31825140 (cited by Women's Health and Genetics/Laboratory Corporation of America, LabCorp); PubMed 30702160 (cited by Laboratory for Molecular Medicine, Mass General Brigham Personalized Medicine); PubMed 29348823 (cited by Laboratory for Molecular Medicine, Mass General Brigham Personalized Medicine); PubMed 24728189 (cited by Laboratory for Molecular Medicine, Mass General Brigham Personalized Medicine); PubMed 28477318 (cited by Laboratory for Molecular Medicine, Mass General Brigham Personalized Medicine); PubMed 31336956 (cited by Laboratory for Molecular Medicine, Mass General Brigham Personalized Medicine); PubMed 19200354 (cited by Bioinformatics dept., Datar Cancer Genetics Limited, India); PubMed 33098347 (cited by University of Washington Center for Mendelian Genomics, University of Washington).